The following is an entry in ClinVar:

ClinVar aggregate classification (germline): Pathogenic (1 of 4 stars; one submission).

Submission:

GeneDx
Classification: Pathogenic. Last evaluated: 2025-08-25. Review status: criteria provided, single submitter. Criteria: GeneDx Variant Classification Process June 2021. Collection method: clinical testing. Allele origin: germline. Affected: yes.
Comment: Reported in a patient with coloboma, atresia of choanae, ear anomaly, and semicircular canal hypoplasia in published literature (PMID: 22461308); Canonical splice site variant predicted to result in a null allele in a gene for which loss of function is a known mechanism of disease; Not observed at significant frequency in large population cohorts (gnomAD); This variant is associated with the following publications: (PMID: 22461308)

NM_017780.4(CHD7):c.6103+1G>A

Gene: CHD7 (chromodomain helicase DNA binding protein 7; plus strand). Cytogenetic location: 8q12.2.
Variant type: single nucleotide variant.
Coding change: c.6103+1G>A on transcript NM_017780.4 (MANE Select); the canonical splice donor site of the intron after coding-DNA position 6103, G replaced by A.
Molecular consequence: splice donor variant. On other transcripts: intron variant (1).
Genome position (GRCh38, 1-based): chr8:60,852,707, G>A. VCF-style: chr8-60852707-G-A. GRCh37 (hg19) VCF-style: chr8-61765266-G-A.
Other names: c.1717-9522G>A (NM_001316690.1).
Identifiers: ClinVar variation 4293215 (VCV004293215.2).